The following is an entry in ClinVar:

ClinVar aggregate classification (germline): Uncertain significance. Review status: criteria provided, multiple submitters, no conflicts (2 of 4 stars). 2 submissions from 2 submitters: Uncertain significance (2). Last evaluated 2025-11-27.

Submissions (2):

Labcorp Genetics (formerly Invitae), Labcorp
Classification: Uncertain significance. Last evaluated: 2025-11-27. Review status: criteria provided, single submitter. Criteria: Invitae Variant Classification Sherloc (09022015). Collection method: clinical testing. Allele origin: germline.
Comment: This sequence change replaces valine, which is neutral and non-polar, with isoleucine, which is neutral and non-polar, at codon 76 of the UBA5 protein (p.Val76Ile). This variant is present in population databases (rs746815612, gnomAD 0.02%). This variant has not been reported in the literature in individuals affected with UBA5-related conditions. ClinVar contains an entry for this variant (Variation ID: 1514512). Invitae Evidence Modeling of protein sequence and biophysical properties (such as structural, functional, and spatial information, amino acid conservation, physicochemical variation, residue mobility, and thermodynamic stability) indicates that this missense variant is not expected to disrupt UBA5 protein function with a negative predictive value of 80%. In summary, the available evidence is currently insufficient to determine the role of this variant in disease. Therefore, it has been classified as a Variant of Uncertain Significance.

Blueprint Genetics
Classification: Uncertain significance. Last evaluated: 2018-11-19. Review status: criteria provided, single submitter. Criteria: ACMG Guidelines, 2015. Collection method: clinical testing. Allele origin: germline.

NM_024818.6(UBA5):c.226G>A (p.Val76Ile)

Genes: NPHP3-ACAD11 (NPHP3-ACAD11 readthrough (NMD candidate); minus strand), UBA5 (ubiquitin like modifier activating enzyme 5; plus strand). Cytogenetic location: 3q22.1.
Variant type: single nucleotide variant.
Coding change: c.226G>A on transcript NM_024818.6 (MANE Select); coding-DNA position 226, G replaced by A.
Protein change: p.Val76Ile; replaces valine 76 with isoleucine.
Molecular consequence: missense variant. On other transcripts: intron variant (2).
Genome position (GRCh38, 1-based): chr3:132,666,002, G>A. VCF-style: chr3-132666002-G-A. GRCh37 (hg19) VCF-style: chr3-132384846-G-A.
Other names: c.58G>A, p.Val20Ile (NM_001320210.2, NM_198329.4); c.-39-2816G>A (NM_001321239.1); c.28-2816G>A (NM_001321238.2); short protein forms V20I, V76I.
Identifiers: ClinVar variation 1514512 (VCV001514512.7), dbSNP rs746815612, ClinGen allele CA2621308.